The following is an entry in ClinVar:

ClinVar aggregate classification (germline): Conflicting classifications of pathogenicity. Review status: criteria provided, conflicting classifications (1 of 4 stars). 3 submissions from 3 submitters: Uncertain significance (2); Likely benign (1). Last evaluated 2026-03-01.

Conditions:
Immunodeficiency 14 (IMD14A). Also called: Activated PI3K Delta Syndrome Type 1 (APDS1); IMMUNODEFICIENCY 14A WITH LYMPHOPROLIFERATION, AUTOSOMAL DOMINANT; p110-DELTA-ACTIVATING MUTATION CAUSING SENESCENT T CELLS, LYMPHADENOPATHY, AND IMMUNODEFICIENCY; ACTIVATED PI3K-DELTA SYNDROME 1. Identifiers: Orphanet 397596, Orphanet 693661, MedGen C5907821, MONDO:0014222, OMIM 615513.

gnomAD v4.1: 12 of 1,534,788 alleles (0.00078%); highest among the groups gnomAD compares: Non-Finnish European, 0.00088%; no homozygotes.

Submissions (3):

CeGaT Center for Human Genetics Tuebingen
Classification: Uncertain significance. Last evaluated: 2026-03-01. Review status: criteria provided, single submitter. Criteria: CeGaT Center For Human Genetics Tuebingen Variant Classification Criteria Version 2. Collection method: clinical testing. Allele origin: germline. Affected: yes. Observed: 1 variant allele.
Comment: PIK3CD: PM2, BP4

Labcorp Genetics (formerly Invitae), Labcorp
Classification: Likely benign for Activated PI3K-delta syndrome. Last evaluated: 2025-09-04. Review status: criteria provided, single submitter. Criteria: Invitae Variant Classification Sherloc (09022015). Collection method: clinical testing. Allele origin: germline.

Blueprint Genetics
Classification: Uncertain significance. Last evaluated: 2021-04-12. Review status: criteria provided, single submitter. Criteria: ACMG Guidelines, 2015. Collection method: clinical testing. Allele origin: germline.

NM_005026.5(PIK3CD):c.1471-18T>A

Gene: PIK3CD (phosphatidylinositol-4,5-bisphosphate 3-kinase catalytic subunit delta; plus strand). Cytogenetic location: 1p36.22.
Variant type: single nucleotide variant.
Coding change: c.1471-18T>A on transcript NM_005026.5 (MANE Select); 18 bases into the intron before coding-DNA position 1471, T replaced by A.
Molecular consequence: intron variant.
Genome position (GRCh38, 1-based): chr1:9,720,593, T>A. VCF-style: chr1-9720593-T-A. GRCh37 (hg19) VCF-style: chr1-9780651-T-A.
Other names: c.1471-18T>A (NM_001350234.2); c.1384-18T>A (NM_001350235.1).
Identifiers: ClinVar variation 3667509 (VCV003667509.7).